The following is an entry in ClinVar:

ClinVar aggregate classification (germline): Uncertain significance (1 of 4 stars; one submission).

Conditions:
Emery-Dreifuss muscular dystrophy (EDMD). Also called: Scapuloperoneal syndrome, X-linked (formerly); Humeroperoneal neuromuscular disease, (formerly). Identifiers: Orphanet 261, MedGen C0410189, MONDO:0016830.

gnomAD v4.1: 1 of 1,613,992 alleles (0.000062%); highest among the groups gnomAD compares: South Asian, 0.0011%; no homozygotes.

Submission:

Labcorp Genetics (formerly Invitae), Labcorp
Classification: Uncertain significance for Emery-Dreifuss muscular dystrophy. Last evaluated: 2026-01-05. Review status: criteria provided, single submitter. Criteria: Invitae Variant Classification Sherloc (09022015). Collection method: clinical testing. Allele origin: germline.
Comment: This sequence change replaces alanine, which is neutral and non-polar, with valine, which is neutral and non-polar, at codon 204 of the SUN1 protein (p.Ala204Val). This variant is not present in population databases (gnomAD no frequency). This variant has not been reported in the literature in individuals affected with SUN1-related conditions. An algorithm developed to predict the effect of missense changes on protein structure and function outputs the following: PolyPhen-2: "Benign". The valine amino acid residue is found in multiple mammalian species, which suggests that this missense change does not adversely affect protein function. In summary, the available evidence is currently insufficient to determine the role of this variant in disease. Therefore, it has been classified as a Variant of Uncertain Significance.

NM_001130965.3(SUN1):c.611C>T (p.Ala204Val)

Gene: SUN1 (Sad1 and UNC84 domain containing 1; plus strand). Cytogenetic location: 7p22.3.
Variant type: single nucleotide variant.
Coding change: c.611C>T on transcript NM_001130965.3 (MANE Select); coding-DNA position 611, C replaced by T.
Protein change: p.Ala204Val; replaces alanine 204 with valine.
Molecular consequence: missense variant. On other transcripts: 5 prime UTR variant (1), non-coding transcript variant (3), intron variant (1).
Genome position (GRCh38, 1-based): chr7:843,473, C>T. VCF-style: chr7-843473-C-T. GRCh37 (hg19) VCF-style: chr7-883110-C-T.
Other names: c.611C>T, p.Ala204Val (NM_001367643.1, NM_001367653.1, NM_001367690.1 and 32 more transcripts); c.461C>T, p.Ala154Val (NM_001367644.1, NM_001367645.1, NM_001367646.1 and 23 more transcripts); c.830C>T, p.Ala277Val (NM_001367651.1); c.422C>T, p.Ala141Val (NM_001367695.1); c.674C>T, p.Ala225Val (NM_001171945.2); c.154C>T, p.Pro52Ser (NM_001367635.1); c.44C>T, p.Ala15Val (NM_001367639.1, NM_001367708.1); c.-151C>T (NM_001367658.1); and 2 more; short protein forms A141V, A277V, A15V, A204V, A225V, P52S, A154V, A213V.
Identifiers: ClinVar variation 4780552 (VCV004780552.1).